The following is an entry in ClinVar:

NM_000083.3(CLCN1):c.1685C>T (p.Ala562Val)

Gene: CLCN1 (chloride voltage-gated channel 1; plus strand). Cytogenetic location: 7q34.
Variant type: single nucleotide variant.
Coding change: c.1685C>T on transcript NM_000083.3 (MANE Select); coding-DNA position 1685, C replaced by T.
Protein change: p.Ala562Val; replaces alanine 562 with valine.
Molecular consequence: missense variant. On other transcripts: non-coding transcript variant (1).
Genome position (GRCh38, 1-based): chr7:143,342,031, C>T. VCF-style: chr7-143342031-C-T. GRCh37 (hg19) VCF-style: chr7-143039124-C-T.
Other names: short protein forms A562V.
Identifiers: ClinVar variation 4538873 (VCV004538873.1).

ClinVar aggregate classification (germline): Uncertain significance (1 of 4 stars; one submission).

Submission:

GeneDx
Classification: Uncertain significance. Last evaluated: 2025-06-21. Review status: criteria provided, single submitter. Criteria: GeneDx Variant Classification Process June 2021. Collection method: clinical testing. Allele origin: germline. Affected: yes.
Comment: Not observed at significant frequency in large population cohorts (gnomAD); In silico analysis supports that this missense variant has a deleterious effect on protein structure/function; Has not been previously published as pathogenic or benign to our knowledge